The following is an entry in ClinVar:

NM_053013.4(ENO3):c.451A>G (p.Asn151Asp)

Gene: ENO3 (enolase 3; plus strand). Cytogenetic location: 17p13.2.
Variant type: single nucleotide variant.
Coding change: c.451A>G on transcript NM_053013.4 (MANE Select); coding-DNA position 451, A replaced by G.
Protein change: p.Asn151Asp; replaces asparagine 151 with aspartic acid.
Molecular consequence: missense variant.
Genome position (GRCh38, 1-based): chr17:4,955,081, A>G. VCF-style: chr17-4955081-A-G. GRCh37 (hg19) VCF-style: chr17-4858376-A-G.
Other names: c.322A>G, p.Asn108Asp (NM_001193503.2); c.451A>G, p.Asn151Asp (NM_001374523.1, NM_001976.5); c.478A>G, p.Asn160Asp (NM_001374524.1); short protein forms N108D, N151D, N160D.
Identifiers: ClinVar variation 1965403 (VCV001965403.5), dbSNP rs2507713917, ClinGen allele CA397289702.

ClinVar aggregate classification (germline): Uncertain significance (1 of 4 stars; one submission).

Conditions:
Glycogen storage disease due to muscle beta-enolase deficiency (GSD13). Also called: ENOLASE 3 DEFICIENCY; ENOLASE-BETA DEFICIENCY; GSD XIII; Glycogen Storage Disease Type XIII. Identifiers: Orphanet 99849, MedGen C2752027, MONDO:0013046, OMIM 612932.

Submission:

Labcorp Genetics (formerly Invitae), Labcorp
Classification: Uncertain significance for Glycogen storage disease due to muscle beta-enolase deficiency. Last evaluated: 2022-06-16. Review status: criteria provided, single submitter. Criteria: Invitae Variant Classification Sherloc (09022015). Collection method: clinical testing. Allele origin: germline.
Comment: In summary, the available evidence is currently insufficient to determine the role of this variant in disease. Therefore, it has been classified as a Variant of Uncertain Significance. Algorithms developed to predict the effect of missense changes on protein structure and function are either unavailable or do not agree on the potential impact of this missense change (SIFT: "Deleterious"; PolyPhen-2: "Possibly Damaging"; Align-GVGD: "Class C0"). This variant has not been reported in the literature in individuals affected with ENO3-related conditions. This variant is not present in population databases (gnomAD no frequency). This sequence change replaces asparagine, which is neutral and polar, with aspartic acid, which is acidic and polar, at codon 151 of the ENO3 protein (p.Asn151Asp).